The following is an entry in ClinVar:

NM_002497.4(NEK2):c.1257T>C (p.Ala419=)

Gene: NEK2 (NIMA related kinase 2; minus strand). Cytogenetic location: 1q32.3.
Variant type: single nucleotide variant.
Coding change: c.1257T>C on transcript NM_002497.4 (MANE Select); coding-DNA position 1257, T replaced by C.
Protein change: p.Ala419=; no amino-acid change (alanine 419 retained).
Molecular consequence: synonymous variant. On other transcripts: intron variant (1).
Genome position (GRCh38, 1-based): chr1:211,663,507, A>G on the plus strand (T>C on the coding strand, the complement: NEK2 is on the minus strand). VCF-style: chr1-211663507-A-G. GRCh37 (hg19) VCF-style: chr1-211836849-A-G.
Other names: c.1111+3599T>C (NM_001204182.2).
Identifiers: ClinVar variation 782234 (VCV000782234.14), dbSNP rs34267138, ClinGen allele CA1381470.
Genomic context (GRCh38, chr1:211,663,507, plus strand): 5'-TCTGCTTTTCAGTTGGTAATTTTTCTCAATATCTGACAGGGCTTGAGCCCGCAGCTGGGC[A>G]GCGTGAAGCCTTTTCTTCAGGTCCTTGCACTTGGACTTAGATGTGAGCTGACTCTCAGAA-3'
Protein context (NP_002488.1, residues 409-429): KCKDLKKRLH[Ala419=]AQLRAQALSD

ClinVar aggregate classification (germline): Benign/Likely benign. Review status: criteria provided, multiple submitters, no conflicts (2 of 4 stars). 3 submissions from 3 submitters: Benign (1); Likely benign (1). 1 of the submissions does not count toward it. Last evaluated 2026-01-13.

Conditions:
NEK2-related disorder. Also called: NEK2-related condition.

Allele frequency attached by ClinVar (database versions not stated): gnomAD exomes 0.00010 and 0.00023; ExAC 0.00029; 1000 Genomes Project 0.00080; ESP Exome Variant Server 0.00092; 1000 Genomes Project 30x 0.00094; gnomAD 0.00096 and 0.00103; TOPMed 0.00109.
gnomAD v4.1: 292 of 1,613,982 alleles (0.018%); highest among the groups gnomAD compares: African/African-American, 0.35%; no homozygotes.

Submissions (3):

Labcorp Genetics (formerly Invitae), Labcorp
Classification: Benign. Last evaluated: 2026-01-13. Review status: criteria provided, single submitter. Criteria: Invitae Variant Classification Sherloc (09022015). Collection method: clinical testing. Allele origin: germline.

Blueprint Genetics
Classification: Likely benign. Last evaluated: 2022-11-11. Review status: criteria provided, single submitter. Criteria: ACMG Guidelines, 2015. Collection method: clinical testing. Allele origin: germline.

PreventionGenetics, part of Exact Sciences
Classification: Likely benign for NEK2-related condition. Last evaluated: 2019-05-15. Review status: no assertion criteria provided. Collection method: clinical testing. Allele origin: germline. Not counted in ClinVar's aggregate classification.
Comment: This variant is classified as likely benign based on ACMG/AMP sequence variant interpretation guidelines (Richards et al. 2015 PMID: 25741868, with internal and published modifications).